The following is an entry in ClinVar:

NM_004036.5(ADCY3):c.1269C>T (p.Gly423=)

Gene: ADCY3 (adenylate cyclase 3; minus strand). Cytogenetic location: 2p23.3.
Variant type: single nucleotide variant.
Coding change: c.1269C>T on transcript NM_004036.5 (MANE Select); coding-DNA position 1269, C replaced by T.
Protein change: p.Gly423=; no amino-acid change (glycine 423 retained).
Molecular consequence: synonymous variant.
Genome position (GRCh38, 1-based): chr2:24,839,959, G>A on the plus strand (C>T on the coding strand, the complement: ADCY3 is on the minus strand). VCF-style: chr2-24839959-G-A. GRCh37 (hg19) VCF-style: chr2-25062828-G-A.
Other names: c.1269C>T, p.Gly423= (NM_001320613.2, NM_001377128.1, NM_001377129.1 and 2 more transcripts); c.546C>T, p.Gly182= (NM_001377131.1).
Identifiers: ClinVar variation 4992582 (VCV004992582.1).
Genomic context (GRCh38, chr2:24,839,959, plus strand): 5'-GTTGGCTACAGTGACATCAGTCGACCACACGTCGTACTGCCAGCGCTTCTGGCCCAGGAC[G>A]CCCCCCAGCACGGTGCCCGTGTGCACCCCCACACGCATGTCCACCCCAGTCTTGGTCTTC-3'
Protein context (NP_004027.2, residues 413-433): VGVHTGTVLG[Gly423=]VLGQKRWQYD

ClinVar aggregate classification (germline): Likely benign (1 of 4 stars; one submission).

Conditions:
ADCY3-related disorder. Also called: ADCY3-related condition.

gnomAD v4.1: 109 of 1,613,674 alleles (0.0068%); highest among the groups gnomAD compares: Admixed American, 0.01%; no homozygotes.

Submission:

PreventionGenetics, part of Exact Sciences
Classification: Likely benign for ADCY3-related condition. Last evaluated: 2026-07-30. Review status: criteria provided, single submitter. Criteria: ACMG Guidelines, 2015. Collection method: clinical testing. Allele origin: germline.
Comment: This variant is classified as likely benign based on ACMG/AMP sequence variant interpretation guidelines (Richards et al. 2015 PMID: 25741868, with internal and published modifications).